The following is an entry in ClinVar:

ClinVar aggregate classification (germline): Likely pathogenic (1 of 4 stars; one submission).

Conditions:
Familial cancer of breast. Also called: BREAST CANCER, FAMILIAL; hereditary breast carcinoma; Hereditary breast cancer. Identifiers: Orphanet 227535, MedGen C0346153, MONDO:0016419, OMIM 114480. Disease mechanism: loss of function.

Submission:

Labcorp Genetics (formerly Invitae), Labcorp
Classification: Likely pathogenic for Hereditary Breast Carcinoma. Last evaluated: 2019-08-20. Review status: criteria provided, single submitter. Criteria: Invitae Variant Classification Sherloc (09022015). Collection method: clinical testing. Allele origin: germline.
Comment: This variant is an in-frame deletion of the genomic region encompassing exons 7 of the CHEK2 gene. It preserves the integrity of the reading frame. This variant has been observed in several individuals affected with breast cancer (PMID: 29785007). This variant is also known as deletion of exon 6 in the literature. This variant has been reported to affect CHEK2 protein function (PMID: 29785007). It removes a small portion of the CHEK2 kinase domain (Asp265-His282), which is required for CHEK2 protein function in DNA repair and cell cycle regulation (PMID: 12909615, 12855706, 18004398, 11733767). In summary, the currently available evidence indicates that the variant is pathogenic, but additional data are needed to prove that conclusively. Therefore, this variant has been classified as Likely Pathogenic.

Literature cited by the submitters: PubMed 18004398; PubMed 12855706; PubMed 12909615; PubMed 11733767; PubMed 29785007.

NC_000022.10:g.(?_29105988)_(29106053_?)del

Gene: CHEK2 (checkpoint kinase 2; minus strand). Cytogenetic location: 22q12.1.
Variant type: Deletion.
Identifiers: ClinVar variation 460676 (VCV000460676.3).